The following is an entry in ClinVar:

ClinVar aggregate classification (germline): Benign. Review status: criteria provided, multiple submitters, no conflicts (2 of 4 stars). 3 submissions from 3 submitters: Benign (3). Last evaluated 2025-06-04.

Conditions:
Hyperlipoproteinemia, type I. Also called: Lipoprotein Lipase Deficiency; Lipase D deficiency; Familial hyperlipo-proteinemia type 1; Hyperlipemia essential familial; Familial Lipoprotein Lipase Deficiency; Hyperlipoproteinemia type 1. Identifiers: Orphanet 309015, Orphanet 444490, MedGen C0023817, MONDO:0009387, OMIM 238600. Disease mechanism: loss of function.

Allele frequency attached by ClinVar (database versions not stated): gnomAD 0.12709 and 0.12946; gnomAD exomes 0.08796; TOPMed 0.12946; 1000 Genomes Project 0.12760; 1000 Genomes Project 30x 0.13210.
gnomAD v4.1: 19,384 of 152,586 alleles (13%); highest among the groups gnomAD compares: African/African-American, 18%; 1,338 homozygotes.

Submissions (3):

Labcorp Genetics (formerly Invitae), Labcorp
Classification: Benign. Last evaluated: 2025-06-04. Review status: criteria provided, single submitter. Criteria: Invitae Variant Classification Sherloc (09022015). Collection method: clinical testing. Allele origin: germline.

Illumina Laboratory Services, Illumina
Classification: Benign for Hyperlipoproteinemia, type I. Last evaluated: 2018-01-12. Review status: criteria provided, single submitter. Criteria: ICSL Variant Classification Criteria 13 December 2019. Collection method: clinical testing. Allele origin: germline.
Comment: This variant was observed in the ICSL laboratory as part of a predisposition screen in an ostensibly healthy population. It had not been previously curated by ICSL or reported in the Human Gene Mutation Database (HGMD: prior to June 1st, 2018), and was therefore a candidate for classification through an automated scoring system. Utilizing variant allele frequency, disease prevalence and penetrance estimates, and inheritance mode, an automated score was calculated to assess if this variant is too frequent to cause the disease. Based on the score and internal cut-off values, a variant classified as benign is not then subjected to further curation. The score for this variant resulted in a classification of benign for this disease.

Breakthrough Genomics
Classification: Benign. Review status: criteria provided, single submitter. Criteria: ACMG Guidelines, 2015. Collection method: not provided. Allele origin: germline. Inheritance: Autosomal recessive inheritance. Affected: yes.

NM_000237.3(LPL):c.*1742T>C

Gene: LPL (lipoprotein lipase; plus strand). Cytogenetic location: 8p21.3.
Variant type: single nucleotide variant.
Coding change: c.*1742T>C on transcript NM_000237.3 (MANE Select); 1742 bases downstream of the stop codon, T replaced by C.
Molecular consequence: 3 prime UTR variant.
Genome position (GRCh38, 1-based): chr8:19,967,052, T>C. VCF-style: chr8-19967052-T-C. GRCh37 (hg19) VCF-style: chr8-19824563-T-C.
Identifiers: ClinVar variation 362448 (VCV000362448.13), dbSNP rs1059611, ClinGen allele CA10627427.
Genomic context (GRCh38, chr8:19,967,052, plus strand): 5'-AAGGATGTTCTGGCTTTACATTTTATTTATTAGCTGTAAATACATGTGTGGATGTGTAAA[T>C]GGAGCTTGTACATATTGGAAAGGTCATTGTGGCTATCTGCATTTATAAATGTGTGGTGCT-3'